The following is an entry in ClinVar:

ClinVar aggregate classification (germline): Uncertain significance (1 of 4 stars; one submission).

Conditions:
Arrhythmogenic right ventricular dysplasia 11. Also called: ARRHYTHMOGENIC RIGHT VENTRICULAR DYSPLASIA, FAMILIAL, 11; Arrhythmogenic Right Ventricular Dysplasia/Cardiomyopathy11; Arrhythmogenic right ventricular dysplasia 11 with mild palmoplantar keratoderma and woolly hair. Identifiers: MedGen C1864850, MONDO:0012506, OMIM 610476.

Submission:

Labcorp Genetics (formerly Invitae), Labcorp
Classification: Uncertain significance for Arrhythmogenic right ventricular dysplasia 11. Last evaluated: 2024-11-27. Review status: criteria provided, single submitter. Criteria: Invitae Variant Classification Sherloc (09022015). Collection method: clinical testing. Allele origin: germline.
Comment: This sequence change replaces phenylalanine, which is neutral and non-polar, with valine, which is neutral and non-polar, at codon 110 of the DSC2 protein (p.Phe110Val). This variant is not present in population databases (gnomAD no frequency). This variant has not been reported in the literature in individuals affected with DSC2-related conditions. Invitae Evidence Modeling of protein sequence and biophysical properties (such as structural, functional, and spatial information, amino acid conservation, physicochemical variation, residue mobility, and thermodynamic stability) indicates that this missense variant is not expected to disrupt DSC2 protein function with a negative predictive value of 80%. In summary, the available evidence is currently insufficient to determine the role of this variant in disease. Therefore, it has been classified as a Variant of Uncertain Significance.

NM_024422.6(DSC2):c.328T>G (p.Phe110Val)

Gene: DSC2 (desmocollin 2; minus strand). Cytogenetic location: 18q12.1.
Variant type: single nucleotide variant.
Coding change: c.328T>G on transcript NM_024422.6 (MANE Select); coding-DNA position 328, T replaced by G.
Protein change: p.Phe110Val; replaces phenylalanine 110 with valine.
Molecular consequence: missense variant. On other transcripts: 5 prime UTR variant (2).
Genome position (GRCh38, 1-based): chr18:31,092,127, A>C on the plus strand (T>G on the coding strand, the complement: DSC2 is on the minus strand). VCF-style: chr18-31092127-A-C. GRCh37 (hg19) VCF-style: chr18-28672090-A-C.
Other names: c.-102T>G (NM_001406506.1, NM_001406507.1); c.328T>G, p.Phe110Val (NM_004949.5); short protein forms F110V.
Identifiers: ClinVar variation 3715320 (VCV003715320.2).